The following is an entry in ClinVar:

NM_002206.3(ITGA7):c.572A>G (p.His191Arg)

Gene: ITGA7 (integrin subunit alpha 7; minus strand). Cytogenetic location: 12q13.2.
Variant type: single nucleotide variant.
Coding change: c.572A>G on transcript NM_002206.3 (MANE Select); coding-DNA position 572, A replaced by G.
Protein change: p.His191Arg; replaces histidine 191 with arginine.
Molecular consequence: missense variant. On other transcripts: 5 prime UTR variant (1).
Genome position (GRCh38, 1-based): chr12:55,700,997, T>C on the plus strand (A>G on the coding strand, the complement: ITGA7 is on the minus strand). VCF-style: chr12-55700997-T-C. GRCh37 (hg19) VCF-style: chr12-56094781-T-C.
Other names: c.281A>G, p.His94Arg (NM_001144997.2); c.233A>G, p.His78Arg (NM_001367993.1, NM_001414035.1); c.-601A>G (NM_001367994.1); c.572A>G, p.His191Arg (NM_001374465.1, NM_001410977.1, NM_001414029.1 and 5 more transcripts); short protein forms H191R, H94R, H78R.
Identifiers: ClinVar variation 575653 (VCV000575653.6), dbSNP rs1565635502, ClinGen allele CA385192136.

ClinVar aggregate classification (germline): Uncertain significance (1 of 4 stars; one submission).

Conditions:
Congenital muscular dystrophy due to integrin alpha-7 deficiency. Also called: MYOPATHY, CONGENITAL, DUE TO INTEGRIN ALPHA-7 DEFICIENCY; Congenital muscular dystrophy with integrin alpha-7 deficiency; Muscular dystrophy, congenital, due to ITGA7 deficiency. Identifiers: Orphanet 34520, MedGen C2750786, MONDO:0013177, OMIM 613204.

Allele frequency attached by ClinVar (database versions not stated): gnomAD exomes below 0.00001.
gnomAD v4.1: 6 of 1,614,240 alleles (0.00037%); highest among the groups gnomAD compares: South Asian, 0.0011%; no homozygotes.

Submission:

Labcorp Genetics (formerly Invitae), Labcorp
Classification: Uncertain significance for Congenital muscular dystrophy due to integrin alpha-7 deficiency. Last evaluated: 2022-07-19. Review status: criteria provided, single submitter. Criteria: Invitae Variant Classification Sherloc (09022015). Collection method: clinical testing. Allele origin: germline.
Comment: This sequence change replaces histidine, which is basic and polar, with arginine, which is basic and polar, at codon 191 of the ITGA7 protein (p.His191Arg). This variant is not present in population databases (gnomAD no frequency). This variant has not been reported in the literature in individuals affected with ITGA7-related conditions. ClinVar contains an entry for this variant (Variation ID: 575653). Algorithms developed to predict the effect of missense changes on protein structure and function are either unavailable or do not agree on the potential impact of this missense change (SIFT: "Deleterious"; PolyPhen-2: "Probably Damaging"; Align-GVGD: "Class C0"). In summary, the available evidence is currently insufficient to determine the role of this variant in disease. Therefore, it has been classified as a Variant of Uncertain Significance.